The following is an entry in ClinVar:

ClinVar aggregate classification (germline): Uncertain significance (1 of 4 stars; one submission).

Submission:

Ambry Genetics
Classification: Uncertain significance. Last evaluated: 2025-01-15. Review status: criteria provided, single submitter. Criteria: Ambry Variant Classification Scheme 2023. Collection method: clinical testing. Allele origin: germline.
Comment: The p.S873G variant (also known as c.2617A>G), located in coding exon 13 of the GEN1 gene, results from an A to G substitution at nucleotide position 2617. The serine at codon 873 is replaced by glycine, an amino acid with similar properties. This amino acid position is conserved. In addition, this alteration is predicted to be tolerated by in silico analysis. Based on the available evidence, the clinical significance of this variant remains unclear.

NM_001130009.3(GEN1):c.2617A>G (p.Ser873Gly)

Gene: GEN1 (GEN1 Holliday junction 5' flap endonuclease; plus strand). Cytogenetic location: 2p24.2.
Variant type: single nucleotide variant.
Coding change: c.2617A>G on transcript NM_001130009.3 (MANE Select); coding-DNA position 2617, A replaced by G.
Protein change: p.Ser873Gly; replaces serine 873 with glycine.
Molecular consequence: missense variant.
Genome position (GRCh38, 1-based): chr2:17,781,829, A>G. VCF-style: chr2-17781829-A-G. GRCh37 (hg19) VCF-style: chr2-17963096-A-G.
Other names: c.2617A>G, p.Ser873Gly (NM_182625.5); short protein forms S873G.
Identifiers: ClinVar variation 3853511 (VCV003853511.1).